The following is an entry in ClinVar:

ClinVar aggregate classification (germline): Likely benign. Review status: criteria provided, multiple submitters, no conflicts (2 of 4 stars). 3 submissions from 3 submitters: Likely benign (3). Last evaluated 2024-01-01.

Allele frequency attached by ClinVar (database versions not stated): 1000 Genomes Project 0.00280; TOPMed 0.00305; gnomAD 0.00315 and 0.00326; 1000 Genomes Project 30x 0.00344; gnomAD exomes 0.00348 and 0.00557; ExAC 0.00350; ESP Exome Variant Server 0.00438.
gnomAD v4.1: 8,561 of 1,612,074 alleles (0.53%); highest among the groups gnomAD compares: Non-Finnish European, 0.64%; 31 homozygotes.

Submissions (3):

CeGaT Center for Human Genetics Tuebingen
Classification: Likely benign. Last evaluated: 2024-01-01. Review status: criteria provided, single submitter. Criteria: CeGaT Center For Human Genetics Tuebingen Variant Classification Criteria Version 2. Collection method: clinical testing. Allele origin: germline. Affected: yes. Observed: 1 variant allele.
Comment: SUSD1: BS2

Labcorp Genetics (formerly Invitae), Labcorp
Classification: Likely benign. Last evaluated: 2018-03-29. Review status: criteria provided, single submitter. Criteria: Invitae Variant Classification Sherloc (09022015). Collection method: clinical testing. Allele origin: germline.

Breakthrough Genomics
Classification: Likely benign. Review status: criteria provided, single submitter. Criteria: ACMG Guidelines, 2015. Collection method: not provided. Allele origin: germline. Inheritance: Unknown mechanism. Affected: yes.

NM_022486.5(SUSD1):c.1768G>A (p.Glu590Lys)

Gene: SUSD1 (sushi domain containing 1; minus strand). Cytogenetic location: 9q31.3.
Variant type: single nucleotide variant.
Coding change: c.1768G>A on transcript NM_022486.5 (MANE Select); coding-DNA position 1768, G replaced by A.
Protein change: p.Glu590Lys; replaces glutamic acid 590 with lysine.
Molecular consequence: missense variant.
Genome position (GRCh38, 1-based): chr9:112,063,019, C>T on the plus strand (G>A on the coding strand, the complement: SUSD1 is on the minus strand). VCF-style: chr9-112063019-C-T. GRCh37 (hg19) VCF-style: chr9-114825299-C-T.
Other names: c.1768G>A, p.Glu590Lys (NM_001282640.2, NM_001282643.2); short protein forms E590K.
Identifiers: ClinVar variation 770751 (VCV000770751.26), dbSNP rs80215167, ClinGen allele CA5189669.